The following is an entry in ClinVar:

ClinVar aggregate classification (germline): Pathogenic (1 of 4 stars; one submission).

Conditions:
Cyclical neutropenia. Also called: Cyclic Neutropenia; Cyclic hematopoiesis. Identifiers: Orphanet 2686, MedGen C0221023, MONDO:0008090, OMIM 162800, HP:0040289. Disease mechanism: loss of function.
Neutropenia, severe congenital, 1, autosomal dominant. Identifiers: MedGen C1859966, MONDO:0042490, OMIM 202700.

Allele frequency attached by ClinVar (database versions not stated): gnomAD exomes below 0.00001.
gnomAD v4.1: 1 of 1,613,172 alleles (0.000062%); highest among the groups gnomAD compares: Non-Finnish European, 0.000085%; no homozygotes.

Submission:

Labcorp Genetics (formerly Invitae), Labcorp
Classification: Pathogenic for Neutropenia, severe congenital, 1, autosomal dominant; Cyclical neutropenia. Last evaluated: 2023-12-19. Review status: criteria provided, single submitter. Criteria: Invitae Variant Classification Sherloc (09022015). Collection method: clinical testing. Allele origin: germline.
Comment: This sequence change creates a premature translational stop signal (p.Trp241*) in the ELANE gene. While this is not anticipated to result in nonsense mediated decay, it is expected to disrupt the last 27 amino acid(s) of the ELANE protein. This variant is not present in population databases (gnomAD no frequency). This premature translational stop signal has been observed in individuals with ELANE-related neutropenia (PMID: 19415009; Invitae). This variant is also known as W212stop. ClinVar contains an entry for this variant (Variation ID: 1052483). This variant is located in a region of the ELANE protein where a significant number of ELANE nonsense and -1/+2 frameshift mutations have been reported in association with autosomal dominant ELANE-related neutropenia (PMID: 33513358, 23463630, 34340247). For these reasons, this variant has been classified as Pathogenic.

Literature cited by the submitters: PubMed 19415009; PubMed 33513358; PubMed 23463630; PubMed 34340247.

NM_001972.4(ELANE):c.723G>A (p.Trp241Ter)

Gene: ELANE (elastase, neutrophil expressed; plus strand). Cytogenetic location: 19p13.3.
Variant type: single nucleotide variant.
Coding change: c.723G>A on transcript NM_001972.4 (MANE Select); coding-DNA position 723, G replaced by A.
Protein change: p.Trp241Ter; replaces tryptophan 241 with a stop codon.
Molecular consequence: nonsense.
Genome position (GRCh38, 1-based): chr19:856,083, G>A. VCF-style: chr19-856083-G-A. GRCh37 (hg19) VCF-style: chr19-856083-G-A.
Other names: short protein forms W241*.
Identifiers: ClinVar variation 1052483 (VCV001052483.11), dbSNP rs2145149815, ClinGen allele CA402919292.